The following continues an entry in ClinVar:

NM_003000.3(SDHB):c.137G>A (p.Arg46Gln)

Gene: SDHB. ClinVar aggregate classification (germline): Pathogenic/Likely pathogenic. Pathogenic (22); Likely pathogenic (2).

Submissions 22 to 26 of 26:

ARUP Laboratories, Molecular Genetics and Genomics, ARUP Laboratories
Classification: Pathogenic. Last evaluated: 2018-03-01. Review status: criteria provided, single submitter. Criteria: ARUP Molecular Germline Variant Investigation Process. Collection method: clinical testing. Allele origin: germline.
Comment: The SDHB c.137G>A; p.Arg46Gln variant (rs772551056) has been observed in individuals and families affected with pheochromocytoma, paraganglioma, adrenal tumors, and renal cell carcinoma (Benn 2003, Gimenez-Roqueplo 2003, Neumann 2004, Ricketts 2012). This variant has been reported as pathogenic by several laboratories in ClinVar (Variation ID: 183793) and has been observed in the general population at a low overall frequency of 0.0004% (1/246124 alleles) in the Genome Aggregation Database. Additionally, another variant at this codon (p.Arg46Gly) has been observed in individuals affected with extra-adrenal pheochromocytoma and adrenal tumors and is considered pathogenic (Gimenez-Roqueplo 2003, Neumann 2004). The arginine at codon 46 is highly conserved and computational algorithms (SIFT, PolyPhen-2) predict this variant to be deleterious. Further, functional analyses of p.Arg46Gln demonstrate decreased succinate dehydrogenase expression and activity and increased hypoxia-inducible factors (Saxena 2016). Based on the above information, this variant is considered pathogenic. References: Benn D et al. Novel succinate dehydrogenase subunit B (SDHB) mutations in familial phaeochromocytomas and paragangliomas, but an absence of somatic SDHB mutations in sporadic phaeochromocytomas. Oncogene. 2003 Mar 6;22(9):1358-64. Gimenez-Roqueplo A et al. Mutations in the SDHB gene are associated with extra-adrenal and/or malignant phaeochromocytomas. Cancer Res. 2003 Sep 1;63(17):5615-21. Neumann H et al. Distinct clinical features of paraganglioma syndromes associated with SDHB and SDHD gene mutations. JAMA. 2004 Aug 25;292(8):943-51. Ricketts C et al. Succinate dehydrogenase kidney cancer: an aggressive example of the Warburg effect in cancer. J Urol. 2012 Dec;188(6):2063-71. Saxena N et al. SDHB-Deficient Cancers: The Role of Mutations That Impair Iron Sulfur Cluster Delivery. J Natl Cancer Inst. 2016 Jan; 108(1): djv287.

Snyder Lab, Genetics Department, Stanford University
Classification: Likely pathogenic for SDHB-Related Disorders. Last evaluated: 2017-01-01. Review status: criteria provided, single submitter. Criteria: ACMG Guidelines, 2015. Collection method: research. Allele origin: germline.

Center for Human Genetics, Inc
Classification: Pathogenic for Pheochromocytoma/paraganglioma syndrome 4. Last evaluated: 2016-11-01. Review status: criteria provided, single submitter. Criteria: ACMG Guidelines, 2015. Collection method: clinical testing. Allele origin: germline. Affected: yes.

Counsyl
Classification: Likely pathogenic for Pheochromocytoma/paraganglioma syndrome 4. Last evaluated: 2017-02-02. Review status: no assertion criteria provided. Collection method: clinical testing. Allele origin: unknown. Not counted in ClinVar's aggregate classification.

Section on Medical Neuroendocrinolgy, National Institutes of Health
Classification: Pathogenic for Hereditary pheochromocytoma and paraganglioma. Review status: no assertion criteria provided. Collection method: research. Allele origin: germline. Affected: yes. Not counted in ClinVar's aggregate classification.

Literature cited by the submitters: PubMed 12364472 (cited by 9 submitters); PubMed 12618761 (cited by 11 submitters); PubMed 15328326 (cited by 7 submitters); PubMed 16317055 (cited by 5 submitters); PubMed 18840642 (cited by 4 submitters); PubMed 22835832 (cited by 9 submitters); PubMed 23282968 (cited by 6 submitters); PubMed 24102379 (cited by 4 submitters); PubMed 24606901 (cited by 3 submitters); PubMed 24659481 (cited by 6 submitters); PubMed 25972245 (cited by 11 submitters); PubMed 26719882 (cited by 10 submitters); PubMed 28374168 (cited by 4 submitters); PubMed 28503760 (cited by 3 submitters); PubMed 28738844 (cited by 4 submitters); PubMed 29386252 (cited by 3 submitters); PubMed 31492822 (cited by 3 submitters); PubMed 32741965 (cited by 4 submitters); PubMed 32963463 (cited by 3 submitters); PubMed 34439168 (cited by 4 submitters); PubMed 14500403 (cited by 6 submitters); PubMed 16314641 (cited by 5 submitters); PubMed 17102082 (cited by 6 submitters); PubMed 18362451 (cited by 8 submitters); PubMed 23083876 (cited by 6 submitters); PubMed 16001332 (cited by Women's Health and Genetics/Laboratory Corporation of America, LabCorp); PubMed 15371856 (cited by Women's Health and Genetics/Laboratory Corporation of America, LabCorp); PubMed 15473885 (cited by Women's Health and Genetics/Laboratory Corporation of America, LabCorp); PubMed 15476441 (cited by Women's Health and Genetics/Laboratory Corporation of America, LabCorp); PubMed 27700540 (cited by Variantyx, Inc.); PubMed 23175444 (cited by 4 submitters); PubMed 23512077 (cited by 4 submitters); PubMed 29951630 (cited by Color Diagnostics, LLC DBA Color Health and All of Us Research Program, National Institutes of Health); PubMed 34906457 (cited by Mayo Clinic Laboratories, Mayo Clinic); PubMed 22677546 (cited by Myriad Genetics, Inc.); PubMed 19802898 (cited by Snyder Lab, Genetics Department, Stanford University).